The following is an entry in ClinVar:

NM_001267550.2(TTN):c.86381_86399delinsTGGTATC (p.Asp28794_Tyr28800delinsValValSer)

Genes: TTN (titin; minus strand), TTN-AS1 (TTN antisense RNA 1; plus strand). Cytogenetic location: 2q31.2.
Variant type: Indel.
Coding change: c.86381_86399delinsTGGTATC on transcript NM_001267550.2 (MANE Select); coding-DNA positions 86381 to 86399, ACCTCCGTACTAGAGCTTA replaced by TGGTATC.
Protein change: p.Asp28794_Tyr28800delinsValValSer.
Molecular consequence: inframe indel.
Genome position (GRCh38, 1-based): chr2:178,559,733-178,559,751, TAAGCTCTAGTACGGAGGT replaced by GATACCA on the plus strand (ACCTCCGTACTAGAGCTTA replaced by TGGTATC on the coding strand, the reverse complement: TTN is on the minus strand). VCF-style: chr2-178559733-TAAGCTCTAGTACGGAGGT-GATACCA. GRCh37 (hg19) VCF-style: chr2-179424460-TAAGCTCTAGTACGGAGGT-GATACCA.
Other names: c.81458_81476delinsTGGTATC, p.Asp27153_Tyr27159delinsValValSer (NM_001256850.1); c.59186_59204delinsTGGTATC, p.Asp19729_Tyr19735delinsValValSer (NM_003319.4); c.78677_78695delinsTGGTATC, p.Asp26226_Tyr26232delinsValValSer (NM_133378.4); c.59561_59579delinsTGGTATC, p.Asp19854_Tyr19860delinsValValSer (NM_133432.3); c.59762_59780delinsTGGTATC, p.Asp19921_Tyr19927delinsValValSer (NM_133437.4).
Identifiers: ClinVar variation 4682090 (VCV004682090.5).

ClinVar aggregate classification (germline): Uncertain significance (1 of 4 stars; one submission).

Submission:

CeGaT Center for Human Genetics Tuebingen
Classification: Uncertain significance. Last evaluated: 2025-12-01. Review status: criteria provided, single submitter. Criteria: CeGaT Center For Human Genetics Tuebingen Variant Classification Criteria Version 2. Collection method: clinical testing. Allele origin: germline. Affected: yes. Observed: 1 variant allele.
Comment: TTN: PM2, PM4